The following is an entry in ClinVar:

NM_021930.6(RINT1):c.2366A>G (p.Asn789Ser)

Genes: EFCAB10 (EF-hand calcium binding domain 10; minus strand), RINT1 (RAD50 interactor 1; plus strand). Cytogenetic location: 7q22.3.
Variant type: single nucleotide variant.
Coding change: c.2366A>G on transcript NM_021930.6 (MANE Select); coding-DNA position 2366, A replaced by G.
Protein change: p.Asn789Ser; replaces asparagine 789 with serine.
Molecular consequence: missense variant. On other transcripts: intron variant (3), 3 prime UTR variant (2), non-coding transcript variant (1).
Genome position (GRCh38, 1-based): chr7:105,567,298, A>G. VCF-style: chr7-105567298-A-G. GRCh37 (hg19) VCF-style: chr7-105207745-A-G.
Other names: c.383+169T>C (NM_001355530.2, NM_001355526.2); c.*156T>C (NM_001355527.2, NM_001355529.2); c.2132A>G, p.Asn711Ser (NM_001346599.2); c.1343A>G, p.Asn448Ser (NM_001346600.2, NM_001346603.2); c.1442A>G, p.Asn481Ser (NM_001346601.2); c.360-1851T>C (NM_001355531.2); short protein forms N481S, N711S, N448S, N789S.
Identifiers: ClinVar variation 4841717 (VCV004841717.1).

ClinVar aggregate classification (germline): Uncertain significance (1 of 4 stars; one submission).

Submission:

Ambry Genetics
Classification: Uncertain significance. Last evaluated: 2026-01-03. Review status: criteria provided, single submitter. Criteria: Ambry Variant Classification Scheme 2023. Collection method: clinical testing. Allele origin: germline.
Comment: The p.N789S variant (also known as c.2366A>G), located in coding exon 15 of the RINT1 gene, results from an A to G substitution at nucleotide position 2366. The asparagine at codon 789 is replaced by serine, an amino acid with highly similar properties. This amino acid position is conserved. In addition, this alteration is predicted to be tolerated by in silico analysis. Based on the available evidence, the clinical significance of this variant remains unclear.